The following is an entry in ClinVar:

NM_002016.2(FLG):c.388_391del (p.Arg130fs)

Genes: CCDST (cervical cancer associated DHX9 suppressive transcript; plus strand), FLG (filaggrin; minus strand). Cytogenetic location: 1q21.3.
Variant type: Deletion.
Coding change: c.388_391del on transcript NM_002016.2 (MANE Select); coding-DNA positions 388 to 391, 4 bases deleted (AGAA; older notation c.388_391delAGAA).
Protein change: p.Arg130fs; shifts the reading frame from arginine 130.
Molecular consequence: frameshift variant.
Genome position (GRCh38, 1-based): chr1:152,314,495-152,314,498, TTCT deleted on the plus strand (AGAA on the coding strand, the reverse complement: FLG is on the minus strand); deleting any 4 consecutive bases within chr1:152,314,495-152,314,501 gives the same sequence; the c. name uses the placement nearest the transcript's 3' end. VCF-style (leftmost placement, unchanged base first): chr1-152314494-CTTCT-C. GRCh37 (hg19) VCF-style: chr1-152286970-CTTCT-C.
Other names: c.388_391del (NM_002016.1); c.388_391delAGAA (NM_002016.1); short protein forms R130fs.
Identifiers: ClinVar variation 818072 (VCV000818072.3), dbSNP rs769677999, ClinGen allele CA1108019.

ClinVar aggregate classification (germline): Pathogenic (1 of 4 stars; one submission).

Submission:

GeneDx
Classification: Pathogenic. Last evaluated: 2025-08-12. Review status: criteria provided, single submitter. Criteria: GeneDx Variant Classification Process June 2021. Collection method: clinical testing. Allele origin: germline. Affected: yes.
Comment: Frameshift variant predicted to result in abnormal protein length as the last 3932 amino acid(s) are replaced with 62 different amino acid(s), and other similar variants have been reported in HGMD; Has not been previously published as pathogenic or benign to our knowledge; This variant is associated with the following publications: (PMID: 16444271)